The following is an entry in ClinVar:

NM_139318.5(KCNH5):c.492_493del (p.Gln165fs)

Gene: KCNH5 (potassium voltage-gated channel subfamily H member 5; minus strand). Cytogenetic location: 14q23.2.
Variant type: Deletion.
Coding change: c.492_493del on transcript NM_139318.5 (MANE Select); coding-DNA positions 492 to 493, 2 bases deleted (GC; older notation c.492_493delGC).
Protein change: p.Gln165fs; shifts the reading frame from glutamine 165.
Molecular consequence: frameshift variant.
Genome position (GRCh38, 1-based): chr14:62,987,128-62,987,129, GC deleted on the plus strand (GC on the coding strand, the reverse complement: KCNH5 is on the minus strand). VCF-style (leftmost placement, unchanged base first): chr14-62987127-TGC-T. GRCh37 (hg19) VCF-style: chr14-63453845-TGC-T.
Other names: c.492_493del, p.Gln165fs (NM_172375.3); short protein forms Q165fs.
Identifiers: ClinVar variation 3646151 (VCV003646151.2).

ClinVar aggregate classification (germline): Uncertain significance (1 of 4 stars; one submission).

Conditions:
Early-infantile DEE. Also called: Early infantile epileptic encephalopathy; Ohtahara syndrome; Early infantile epileptic encephalopathy with suppression bursts. Identifiers: Orphanet 1934, MedGen C0393706, MONDO:0800491.

Submission:

Labcorp Genetics (formerly Invitae), Labcorp
Classification: Uncertain significance for Early-infantile DEE. Last evaluated: 2024-03-16. Review status: criteria provided, single submitter. Criteria: Invitae Variant Classification Sherloc (09022015). Collection method: clinical testing. Allele origin: germline.
Comment: This sequence change creates a premature translational stop signal (p.Gln165Alafs*6) in the KCNH5 gene. It is expected to result in an absent or disrupted protein product. However, the current clinical and genetic evidence is not sufficient to establish whether loss-of-function variants in KCNH5 cause disease. This variant is not present in population databases (gnomAD no frequency). This variant has not been reported in the literature in individuals affected with KCNH5-related conditions. In summary, the available evidence is currently insufficient to determine the role of this variant in disease. Therefore, it has been classified as a Variant of Uncertain Significance.